The following is an entry in ClinVar:

ClinVar aggregate classification (germline): Uncertain significance. Review status: criteria provided, multiple submitters, no conflicts (2 of 4 stars). 2 submissions from 2 submitters: Uncertain significance (2). Last evaluated 2025-08-21.

Conditions:
Inborn genetic diseases. Identifiers: MedGen C0950123, MeSH D030342.
2-aminoadipic 2-oxoadipic aciduria (AAKAD). Also called: Aminoadipic aciduria; ALPHA-AMINOADIPIC AND ALPHA-KETOADIPIC ACIDURIA. Identifiers: Orphanet 79154, MedGen C1859817, MONDO:0008774, OMIM 204750.

Allele frequency attached by ClinVar (database versions not stated): gnomAD 0.00001; gnomAD exomes 0.00001; ExAC 0.00002; 1000 Genomes Project 0.00020; 1000 Genomes Project 30x 0.00031.
gnomAD v4.1: 18 of 1,614,056 alleles (0.0011%); highest among the groups gnomAD compares: South Asian, 0.018%; no homozygotes.

Submissions (2):

Ambry Genetics
Classification: Uncertain significance for Inborn genetic diseases. Last evaluated: 2025-08-21. Review status: criteria provided, single submitter. Criteria: Ambry Variant Classification Scheme 2023. Collection method: clinical testing. Allele origin: germline.

Labcorp Genetics (formerly Invitae), Labcorp
Classification: Uncertain significance for 2-aminoadipic 2-oxoadipic aciduria. Last evaluated: 2025-07-16. Review status: criteria provided, single submitter. Criteria: Invitae Variant Classification Sherloc (09022015). Collection method: clinical testing. Allele origin: germline.
Comment: This sequence change replaces arginine, which is basic and polar, with glycine, which is neutral and non-polar, at codon 324 of the DHTKD1 protein (p.Arg324Gly). This variant is present in population databases (rs549007510, gnomAD 0.02%). This variant has not been reported in the literature in individuals affected with DHTKD1-related conditions. ClinVar contains an entry for this variant (Variation ID: 2616992). Invitae Evidence Modeling of protein sequence and biophysical properties (such as structural, functional, and spatial information, amino acid conservation, physicochemical variation, residue mobility, and thermodynamic stability) indicates that this missense variant is not expected to disrupt DHTKD1 protein function with a negative predictive value of 80%. In summary, the available evidence is currently insufficient to determine the role of this variant in disease. Therefore, it has been classified as a Variant of Uncertain Significance.

NM_018706.7(DHTKD1):c.970A>G (p.Arg324Gly)

Gene: DHTKD1 (dehydrogenase E1 and transketolase domain containing 1; plus strand). Cytogenetic location: 10p14.
Variant type: single nucleotide variant.
Coding change: c.970A>G on transcript NM_018706.7 (MANE Select); coding-DNA position 970, A replaced by G.
Protein change: p.Arg324Gly; replaces arginine 324 with glycine.
Molecular consequence: missense variant.
Genome position (GRCh38, 1-based): chr10:12,089,238, A>G. VCF-style: chr10-12089238-A-G. GRCh37 (hg19) VCF-style: chr10-12131237-A-G.
Other names: short protein forms R324G.
Identifiers: ClinVar variation 2616992 (VCV002616992.6), dbSNP rs549007510, ClinGen allele CA5407700.